The following is an entry in ClinVar:

ClinVar aggregate classification (germline): Pathogenic (1 of 4 stars; one submission).

Conditions:
Nemaline myopathy 2 (NEM2). Also called: Nemaline myopathy 2, autosomal recessive. Identifiers: MedGen C1850569, MONDO:0009725, OMIM 256030.

Submission:

Labcorp Genetics (formerly Invitae), Labcorp
Classification: Pathogenic for Nemaline myopathy 2. Last evaluated: 2022-11-08. Review status: criteria provided, single submitter. Criteria: Invitae Variant Classification Sherloc (09022015). Collection method: clinical testing. Allele origin: germline.
Comment: For these reasons, this variant has been classified as Pathogenic. This variant has not been reported in the literature in individuals affected with NEB-related conditions. This sequence change creates a premature translational stop signal (p.Gly7612Argfs*9) in the NEB gene. It is expected to result in an absent or disrupted protein product. Loss-of-function variants in NEB are known to be pathogenic (PMID: 25205138). This variant is not present in population databases (gnomAD no frequency).

Literature cited by the submitters: PubMed 25205138.

NM_001164508.2(NEB):c.22728dup (p.Gly7577fs)

Genes: NEB (nebulin; minus strand), RIF1 (replication timing regulatory factor 1; plus strand). Cytogenetic location: 2q23.3.
Variant type: Duplication.
Coding change: c.22728dup on transcript NM_001164508.2 (MANE Select); coding-DNA position 22728, one base duplicated (A; older notation c.22728dupA).
Protein change: p.Gly7577fs; shifts the reading frame from glycine 7577.
Molecular consequence: frameshift variant.
Genome position (GRCh38, 1-based): chr2:151,518,390, T duplicated on the plus strand (A on the coding strand, the reverse complement: NEB is on the minus strand); the first of 3 consecutive T bases (chr2:151,518,390-151,518,392); duplicating any one gives the same sequence. VCF-style (leftmost placement, unchanged base first): chr2-151518389-C-CT. GRCh37 (hg19) VCF-style: chr2-152374903-C-CT.
Other names: c.22728dup, p.Gly7577fs (NM_001164507.2); c.22833dup, p.Gly7612fs (NM_001271208.2); c.17625dup, p.Gly5876fs (NM_004543.5); short protein forms G7577fs, G7612fs, G5876fs.
Identifiers: ClinVar variation 2029270 (VCV002029270.4), dbSNP rs2552089492, ClinGen allele CA2577119631.